The following is an entry in ClinVar:

ClinVar aggregate classification (germline): Uncertain significance (1 of 4 stars; one submission).

Conditions:
Singleton-Merten syndrome 1 (SGMRT1). Also called: Widened medullary cavities of bone, aortic calcification, abnormal dentition, and muscular weakness; Syndrome of widened medullary cavities of the metacarpals and phalanges, aortic calcification and abnormal dentition. Identifiers: Orphanet 85191, MedGen C4225427, MONDO:0024535, OMIM 182250.
Aicardi-Goutieres syndrome 7 (AGS7). Identifiers: Orphanet 51, MedGen C3888244, MONDO:0014367, OMIM 615846.

Allele frequency attached by ClinVar (database versions not stated): gnomAD exomes below 0.00001; gnomAD 0.00001; TOPMed 0.00001; ESP Exome Variant Server 0.00008.
gnomAD v4.1: 1 of 1,614,062 alleles (0.000062%); highest among the groups gnomAD compares: Non-Finnish European, 0.000085%; no homozygotes.

Submission:

Labcorp Genetics (formerly Invitae), Labcorp
Classification: Uncertain significance for Aicardi-Goutieres syndrome 7; Singleton-Merten syndrome 1. Last evaluated: 2022-10-25. Review status: criteria provided, single submitter. Criteria: Invitae Variant Classification Sherloc (09022015). Collection method: clinical testing. Allele origin: germline.
Comment: In summary, the available evidence is currently insufficient to determine the role of this variant in disease. Therefore, it has been classified as a Variant of Uncertain Significance. Advanced modeling of protein sequence and biophysical properties (such as structural, functional, and spatial information, amino acid conservation, physicochemical variation, residue mobility, and thermodynamic stability) has been performed at Invitae for this missense variant, however the output from this modeling did not meet the statistical confidence thresholds required to predict the impact of this variant on IFIH1 protein function. ClinVar contains an entry for this variant (Variation ID: 1481231). This variant has not been reported in the literature in individuals affected with IFIH1-related conditions. This variant is present in population databases (rs370024615, gnomAD 0.0009%). This sequence change replaces arginine, which is basic and polar, with methionine, which is neutral and non-polar, at codon 21 of the IFIH1 protein (p.Arg21Met).

NM_022168.4(IFIH1):c.62G>T (p.Arg21Met)

Gene: IFIH1 (interferon induced with helicase C domain 1; minus strand). Cytogenetic location: 2q24.2.
Variant type: single nucleotide variant.
Coding change: c.62G>T on transcript NM_022168.4 (MANE Select); coding-DNA position 62, G replaced by T.
Protein change: p.Arg21Met; replaces arginine 21 with methionine.
Molecular consequence: missense variant.
Genome position (GRCh38, 1-based): chr2:162,318,246, C>A on the plus strand (G>T on the coding strand, the complement: IFIH1 is on the minus strand). VCF-style: chr2-162318246-C-A. GRCh37 (hg19) VCF-style: chr2-163174756-C-A.
Other names: short protein forms R21M.
Identifiers: ClinVar variation 1481231 (VCV001481231.8), dbSNP rs370024615, ClinGen allele CA59694431.
Genomic context (GRCh38, chr2:162,318,246, plus strand): 5'-TCTGCAGGCAGAAAGGTCAGGTAGTCCAGCACAGGCTCCACCTGGATGTACATTTTCACC[C>A]TGGCCCTGAAGCACGAGATGAGATAGCGGAAATTCTCGTCTGTGGAATACCCATTCGACA-3'
Protein context (NP_071451.2, residues 11-31): FRYLISCFRA[Arg21Met]VKMYIQVEPV